The following is an entry in ClinVar:

NM_031844.3(HNRNPU):c.239C>A (p.Ala80Asp)

Gene: HNRNPU (heterogeneous nuclear ribonucleoprotein U; minus strand). Cytogenetic location: 1q44.
Variant type: single nucleotide variant.
Coding change: c.239C>A on transcript NM_031844.3 (MANE Select); coding-DNA position 239, C replaced by A.
Protein change: p.Ala80Asp; replaces alanine 80 with aspartic acid.
Molecular consequence: missense variant.
Genome position (GRCh38, 1-based): chr1:244,864,069, G>T on the plus strand (C>A on the coding strand, the complement: HNRNPU is on the minus strand). VCF-style: chr1-244864069-G-T. GRCh37 (hg19) VCF-style: chr1-245027371-G-T.
Other names: c.239C>A, p.Ala80Asp (NM_004501.3); short protein forms A80D.
Identifiers: ClinVar variation 2852770 (VCV002852770.3), dbSNP rs1225658657, ClinGen allele CA345497574.

ClinVar aggregate classification (germline): Uncertain significance (1 of 4 stars; one submission).

Conditions:
Developmental and epileptic encephalopathy, 54. Also called: Epileptic encephalopathy, early infantile, 54; HNRNPU-Related Neurodevelopmental Disorder. Identifiers: MedGen C4479319, MONDO:0033363, OMIM 617391.

Allele frequency attached by ClinVar (database versions not stated): gnomAD exomes below 0.00001.
gnomAD v4.1: 2 of 1,602,376 alleles (0.00012%); highest among the groups gnomAD compares: Non-Finnish European, 0.000085%; no homozygotes.

Submission:

Labcorp Genetics (formerly Invitae), Labcorp
Classification: Uncertain significance for Developmental and epileptic encephalopathy, 54. Last evaluated: 2024-02-18. Review status: criteria provided, single submitter. Criteria: Invitae Variant Classification Sherloc (09022015). Collection method: clinical testing. Allele origin: germline.
Comment: This sequence change replaces alanine, which is neutral and non-polar, with aspartic acid, which is acidic and polar, at codon 80 of the HNRNPU protein (p.Ala80Asp). This variant is not present in population databases (gnomAD no frequency). This variant has not been reported in the literature in individuals affected with HNRNPU-related conditions. An algorithm developed to predict the effect of missense changes on protein structure and function (PolyPhen-2) suggests that this variant is likely to be disruptive. In summary, the available evidence is currently insufficient to determine the role of this variant in disease. Therefore, it has been classified as a Variant of Uncertain Significance.